The following is an entry in ClinVar:

NM_176787.5(PIGN):c.1529_1534del (p.Val510_Tyr511del)

Gene: PIGN (phosphatidylinositol glycan anchor biosynthesis class N; minus strand). Cytogenetic location: 18q21.33.
Variant type: Deletion.
Coding change: c.1529_1534del on transcript NM_176787.5 (MANE Select); coding-DNA positions 1529 to 1534, 6 bases deleted (TATATG; older notation c.1529_1534delTATATG).
Protein change: p.Val510_Tyr511del.
Molecular consequence: inframe deletion.
Genome position (GRCh38, 1-based): chr18:62,109,874-62,109,879, CATATA deleted on the plus strand (TATATG on the coding strand, the reverse complement: PIGN is on the minus strand); deleting any 6 consecutive bases within chr18:62,109,874-62,109,883 gives the same sequence; the c. name uses the placement nearest the transcript's 3' end. VCF-style (leftmost placement, unchanged base first): chr18-62109873-CCATATA-C. GRCh37 (hg19) VCF-style: chr18-59777106-CCATATA-C.
Other names: c.1529_1534del, p.Val510_Tyr511del (NM_012327.6).
Identifiers: ClinVar variation 952287 (VCV000952287.9), dbSNP rs2034805106, ClinGen allele CA1139666153.

ClinVar aggregate classification (germline): Uncertain significance (1 of 4 stars; one submission).

Conditions:
Multiple congenital anomalies-hypotonia-seizures syndrome 1 (MCAHS1). Also called: PIGN-CDG; Congenital disorder of glycosylation due to PIGN deficiency; GLYCOSYLPHOSPHATIDYLINOSITOL BIOSYNTHESIS DEFECT 3. Identifiers: Orphanet 280633, MedGen C3279775, MONDO:0013563, OMIM 614080.

Submission:

Labcorp Genetics (formerly Invitae), Labcorp
Classification: Uncertain significance for Multiple congenital anomalies-hypotonia-seizures syndrome 1. Last evaluated: 2022-09-01. Review status: criteria provided, single submitter. Criteria: Invitae Variant Classification Sherloc (09022015). Collection method: clinical testing. Allele origin: germline.
Comment: This variant, c.1529_1534del, results in the deletion of 2 amino acid(s) of the PIGN protein (p.Val510_Tyr511del), but otherwise preserves the integrity of the reading frame. This variant is not present in population databases (gnomAD no frequency). This variant has not been reported in the literature in individuals affected with PIGN-related conditions. ClinVar contains an entry for this variant (Variation ID: 952287). Algorithms developed to predict the effect of sequence changes on RNA splicing suggest that this variant may create or strengthen a splice site. In summary, the available evidence is currently insufficient to determine the role of this variant in disease. Therefore, it has been classified as a Variant of Uncertain Significance.